The following is an entry in ClinVar:

NM_001482.3(GATM):c.865T>C (p.Tyr289His)

Gene: GATM (glycine amidinotransferase; minus strand). Cytogenetic location: 15q21.1.
Variant type: single nucleotide variant.
Coding change: c.865T>C on transcript NM_001482.3 (MANE Select); coding-DNA position 865, T replaced by C.
Protein change: p.Tyr289His; replaces tyrosine 289 with histidine.
Molecular consequence: missense variant.
Genome position (GRCh38, 1-based): chr15:45,366,159, A>G on the plus strand (T>C on the coding strand, the complement: GATM is on the minus strand). VCF-style: chr15-45366159-A-G. GRCh37 (hg19) VCF-style: chr15-45658357-A-G.
Other names: c.478T>C, p.Tyr160His (NM_001321015.2); short protein forms Y289H, Y160H.
Identifiers: ClinVar variation 2188060 (VCV002188060.2), dbSNP rs769715877, ClinGen allele CA7542834.

ClinVar aggregate classification (germline): Uncertain significance (1 of 4 stars; one submission).

Conditions:
Arginine:glycine amidinotransferase deficiency (CCDS3). Also called: Creatine deficiency syndrome due to AGAT deficiency; GATM deficiency; AGAT deficiency; L-Arginine:Glycine Amidinotransferase Deficiency; L-Arginine:Glycine Amidinotransferase (AGAT) Deficiency; Cerebral creatine deficiency syndrome 3. Identifiers: Orphanet 35704, MedGen C2675179, MONDO:0012996, OMIM 612718.

Allele frequency attached by ClinVar (database versions not stated): TOPMed below 0.00001; ExAC 0.00001; gnomAD 0.00001.
gnomAD v4.1: 5 of 1,614,002 alleles (0.00031%); highest among the groups gnomAD compares: South Asian, 0.0022%; no homozygotes.

Submission:

Labcorp Genetics (formerly Invitae), Labcorp
Classification: Uncertain significance for Arginine:glycine amidinotransferase deficiency. Last evaluated: 2025-06-29. Review status: criteria provided, single submitter. Criteria: Invitae Variant Classification Sherloc (09022015). Collection method: clinical testing. Allele origin: germline.
Comment: This sequence change replaces tyrosine, which is neutral and polar, with histidine, which is basic and polar, at codon 289 of the GATM protein (p.Tyr289His). This variant is present in population databases (rs769715877, gnomAD 0.003%). This variant has not been reported in the literature in individuals affected with GATM-related conditions. ClinVar contains an entry for this variant (Variation ID: 2188060). Invitae Evidence Modeling of protein sequence and biophysical properties (such as structural, functional, and spatial information, amino acid conservation, physicochemical variation, residue mobility, and thermodynamic stability) indicates that this missense variant is expected to disrupt GATM protein function with a positive predictive value of 95%. In summary, the available evidence is currently insufficient to determine the role of this variant in disease. Therefore, it has been classified as a Variant of Uncertain Significance.